The following is an entry in ClinVar:

NM_144999.4(LRRC45):c.1336G>T (p.Glu446Ter)

Gene: LRRC45 (leucine rich repeat containing 45; plus strand). Cytogenetic location: 17q25.3.
Variant type: single nucleotide variant.
Coding change: c.1336G>T on transcript NM_144999.4 (MANE Select); coding-DNA position 1336, G replaced by T.
Protein change: p.Glu446Ter; replaces glutamic acid 446 with a stop codon.
Molecular consequence: nonsense.
Genome position (GRCh38, 1-based): chr17:82,029,120, G>T. VCF-style: chr17-82029120-G-T. GRCh37 (hg19) VCF-style: chr17-79986996-G-T.
Other names: short protein forms E446*.
Identifiers: ClinVar variation 4985338 (VCV004985338.1).
Genomic context (GRCh38, chr17:82,029,120, plus strand): 5'-CACTCTGGCCCCACAATCCCTGCCCCTGAGCAGGTGGAGCATATGACCCGTCACCTGGAG[G>T]AGAGTGAGAAGGCCATGCAGGAGCGGGTGCAGAGGCTGGAGGCGGCGCGGCTGTCCCTGG-3'

ClinVar aggregate classification (germline): Uncertain significance (1 of 4 stars; one submission).

Conditions:
LRRC45-related disorder. Also called: LRRC45-related condition.

gnomAD v4.1: 10 of 1,612,608 alleles (0.00062%); highest among the groups gnomAD compares: Admixed American, 0.017%; no homozygotes.

Submission:

PreventionGenetics, part of Exact Sciences
Classification: Uncertain significance for LRRC45-related condition. Last evaluated: 2025-09-19. Review status: criteria provided, single submitter. Criteria: ACMG Guidelines, 2015. Collection method: clinical testing. Allele origin: germline.
Comment: The LRRC45 c.1336G>T variant is predicted to result in premature protein termination (p.Glu446*). To our knowledge, this variant has not been reported in the literature. This variant is reported in 0.020% of alleles in individuals of Latino descent in gnomAD. Loss of function is not an established mechanism of LRRC45-related disease. At this time, the clinical significance of this variant is uncertain due to the absence of conclusive functional and genetic evidence.